The following is an entry in ClinVar:

ClinVar aggregate classification (germline): Uncertain significance. Review status: criteria provided, multiple submitters, no conflicts (2 of 4 stars). 2 submissions from 2 submitters: Uncertain significance (2). Last evaluated 2025-07-09.

Conditions:
Inborn genetic diseases. Identifiers: MedGen C0950123, MeSH D030342.

Submissions (2):

Labcorp Genetics (formerly Invitae), Labcorp
Classification: Uncertain significance. Last evaluated: 2025-07-09. Review status: criteria provided, single submitter. Criteria: Invitae Variant Classification Sherloc (09022015). Collection method: clinical testing. Allele origin: germline.
Comment: This sequence change replaces valine, which is neutral and non-polar, with methionine, which is neutral and non-polar, at codon 351 of the KCNC3 protein (p.Val351Met). This variant is present in population databases (rs146613004, gnomAD 0.02%). This variant has not been reported in the literature in individuals affected with KCNC3-related conditions. Invitae Evidence Modeling of protein sequence and biophysical properties (such as structural, functional, and spatial information, amino acid conservation, physicochemical variation, residue mobility, and thermodynamic stability) indicates that this missense variant is expected to disrupt KCNC3 protein function with a positive predictive value of 95%. In summary, the available evidence is currently insufficient to determine the role of this variant in disease. Therefore, it has been classified as a Variant of Uncertain Significance.

Ambry Genetics
Classification: Uncertain significance for Inborn genetic diseases. Last evaluated: 2025-06-23. Review status: criteria provided, single submitter. Criteria: Ambry Variant Classification Scheme 2023. Collection method: clinical testing. Allele origin: germline.

NM_004977.3(KCNC3):c.1051G>A (p.Val351Met)

Gene: KCNC3 (potassium voltage-gated channel subfamily C member 3; minus strand). Cytogenetic location: 19q13.33.
Variant type: single nucleotide variant.
Coding change: c.1051G>A on transcript NM_004977.3 (MANE Select); coding-DNA position 1051, G replaced by A.
Protein change: p.Val351Met; replaces valine 351 with methionine.
Molecular consequence: missense variant.
Genome position (GRCh38, 1-based): chr19:50,323,902, C>T on the plus strand (G>A on the coding strand, the complement: KCNC3 is on the minus strand). VCF-style: chr19-50323902-C-T. GRCh37 (hg19) VCF-style: chr19-50827159-C-T.
Other names: c.823G>A, p.Val275Met (NM_001372305.1); short protein forms V275M, V351M.
Identifiers: ClinVar variation 4090176 (VCV004090176.2).